The following is an entry in ClinVar:

NM_000245.4(MET):c.3719A>G (p.Lys1240Arg)

Gene: MET (MET proto-oncogene, receptor tyrosine kinase; plus strand). Cytogenetic location: 7q31.2.
Variant type: single nucleotide variant.
Coding change: c.3719A>G on transcript NM_000245.4 (MANE Select); coding-DNA position 3719, A replaced by G.
Protein change: p.Lys1240Arg; replaces lysine 1240 with arginine.
Molecular consequence: missense variant.
Genome position (GRCh38, 1-based): chr7:116,783,390, A>G. VCF-style: chr7-116783390-A-G. GRCh37 (hg19) VCF-style: chr7-116423444-A-G.
Other names: c.3773A>G, p.Lys1258Arg (NM_001127500.3); c.2429A>G, p.Lys810Arg (NM_001324402.2); short protein forms K1240R, K1258R, K810R.
Identifiers: ClinVar variation 2763844 (VCV002763844.3), dbSNP rs2485836038, ClinGen allele CA368991738.

ClinVar aggregate classification (germline): Uncertain significance (1 of 4 stars; one submission).

Conditions:
Renal cell carcinoma. Identifiers: Orphanet 217071, MedGen C0007134, MeSH D002292, MONDO:0005086, HP:0005584.

Submission:

Labcorp Genetics (formerly Invitae), Labcorp
Classification: Uncertain significance for Renal cell carcinoma. Last evaluated: 2023-09-27. Review status: criteria provided, single submitter. Criteria: Invitae Variant Classification Sherloc (09022015). Collection method: clinical testing. Allele origin: germline.
Comment: In summary, the available evidence is currently insufficient to determine the role of this variant in disease. Therefore, it has been classified as a Variant of Uncertain Significance. Advanced modeling of protein sequence and biophysical properties (such as structural, functional, and spatial information, amino acid conservation, physicochemical variation, residue mobility, and thermodynamic stability) has been performed at Invitae for this missense variant, however the output from this modeling did not meet the statistical confidence thresholds required to predict the impact of this variant on MET protein function. This variant has not been reported in the literature in individuals affected with MET-related conditions. This variant is not present in population databases (gnomAD no frequency). This sequence change replaces lysine, which is basic and polar, with arginine, which is basic and polar, at codon 1258 of the MET protein (p.Lys1258Arg).